The following is an entry in ClinVar:

ClinVar aggregate classification (germline): Uncertain significance (1 of 4 stars; one submission).

Submission:

Labcorp Genetics (formerly Invitae), Labcorp
Classification: Uncertain significance. Last evaluated: 2024-02-23. Review status: criteria provided, single submitter. Criteria: Invitae Variant Classification Sherloc (09022015). Collection method: clinical testing. Allele origin: germline.
Comment: This sequence change replaces methionine, which is neutral and non-polar, with arginine, which is basic and polar, at codon 434 of the ITGAM protein (p.Met434Arg). This variant is not present in population databases (gnomAD no frequency). This variant has not been reported in the literature in individuals affected with ITGAM-related conditions. ClinVar contains an entry for this variant (Variation ID: 1352775). An algorithm developed to predict the effect of missense changes on protein structure and function (PolyPhen-2) suggests that this variant is likely to be tolerated. In summary, the available evidence is currently insufficient to determine the role of this variant in disease. Therefore, it has been classified as a Variant of Uncertain Significance.

NM_000632.4(ITGAM):c.1301T>G (p.Met434Arg)

Gene: ITGAM (integrin subunit alpha M; plus strand). Cytogenetic location: 16p11.2.
Variant type: single nucleotide variant.
Coding change: c.1301T>G on transcript NM_000632.4 (MANE Select); coding-DNA position 1301, T replaced by G.
Protein change: p.Met434Arg; replaces methionine 434 with arginine.
Molecular consequence: missense variant.
Genome position (GRCh38, 1-based): chr16:31,278,054, T>G. VCF-style: chr16-31278054-T-G. GRCh37 (hg19) VCF-style: chr16-31289375-T-G.
Other names: c.1301T>G, p.Met434Arg (NM_001145808.2); short protein forms M434R.
Identifiers: ClinVar variation 1352775 (VCV001352775.8), dbSNP rs2144314880, ClinGen allele CA395702471.